The following is an entry in ClinVar:

NM_032638.5(GATA2):c.568G>C (p.Ala190Pro)

Gene: GATA2 (GATA binding protein 2; minus strand). Cytogenetic location: 3q21.3.
Variant type: single nucleotide variant.
Coding change: c.568G>C on transcript NM_032638.5 (MANE Select); coding-DNA position 568, G replaced by C.
Protein change: p.Ala190Pro; replaces alanine 190 with proline.
Molecular consequence: missense variant.
Genome position (GRCh38, 1-based): chr3:128,486,030, C>G on the plus strand (G>C on the coding strand, the complement: GATA2 is on the minus strand). VCF-style: chr3-128486030-C-G. GRCh37 (hg19) VCF-style: chr3-128204873-C-G.
Other names: c.568G>C, p.Ala190Pro (NM_001145661.2, NM_001145662.1); short protein forms A190P.
Identifiers: ClinVar variation 3853009 (VCV003853009.1).
Genomic context (GRCh38, chr3:128,486,030, plus strand): 5'-CGTCCTTGTCCTCTCCTCGGGCTGCACTACCCCCCGCGGAAGATGAGGCTGGAGACGCAG[C>G]CCCCGTGGTGCTAGGGTCAGGAGACACTTCTTTGGGTGGCGTGGGTGGGAAGCCGAAAAG-3'
Protein context (NP_116027.2, residues 180-200): EVSPDPSTTG[Ala190Pro]ASPASSSAGG

ClinVar aggregate classification (germline): Uncertain significance (1 of 4 stars; one submission).

Conditions:
Inborn genetic diseases. Identifiers: MedGen C0950123, MeSH D030342.

gnomAD v4.1: 1 of 1,614,134 alleles (0.000062%); highest among the groups gnomAD compares: Non-Finnish European, 0.000085%; no homozygotes.

Submission:

Ambry Genetics
Classification: Uncertain significance for Inborn genetic diseases. Last evaluated: 2024-12-20. Review status: criteria provided, single submitter. Criteria: Ambry Variant Classification Scheme 2023. Collection method: clinical testing. Allele origin: germline.
Comment: The p.A190P variant (also known as c.568G>C), located in coding exon 2 of the GATA2 gene, results from a G to C substitution at nucleotide position 568. The alanine at codon 190 is replaced by proline, an amino acid with highly similar properties. This amino acid position is conserved. In addition, the in silico prediction for this alteration is inconclusive. Based on the available evidence, the clinical significance of this variant remains unclear.